The following is an entry in ClinVar:

ClinVar aggregate classification (germline): Conflicting classifications of pathogenicity. Review status: criteria provided, conflicting classifications (1 of 4 stars). 3 submissions from 3 submitters: Uncertain significance (1); Benign (1); Likely benign (1). Last evaluated 2025-10-18.

Conditions:
SLC34A3-related disorder. Also called: SLC34A3-related condition.

Allele frequency attached by ClinVar (database versions not stated): gnomAD exomes 0.00017 and 0.00041; ExAC 0.00051; gnomAD 0.00134; ESP Exome Variant Server 0.00146; TOPMed 0.00157; 1000 Genomes Project 0.00359; 1000 Genomes Project 30x 0.00390.

Submissions (3):

Labcorp Genetics (formerly Invitae), Labcorp
Classification: Benign. Last evaluated: 2025-10-18. Review status: criteria provided, single submitter. Criteria: Invitae Variant Classification Sherloc (09022015). Collection method: clinical testing. Allele origin: germline.

PreventionGenetics, part of Exact Sciences
Classification: Likely benign for SLC34A3-related condition. Last evaluated: 2024-12-14. Review status: criteria provided, single submitter. Criteria: ACMG Guidelines, 2015. Collection method: clinical testing. Allele origin: germline.
Comment: This variant is classified as likely benign based on ACMG/AMP sequence variant interpretation guidelines (Richards et al. 2015 PMID: 25741868, with internal and published modifications).

GeneDx
Classification: Uncertain significance. Last evaluated: 2022-02-25. Review status: criteria provided, single submitter. Criteria: GeneDx Variant Classification Process June 2021. Collection method: clinical testing. Allele origin: germline. Affected: yes.
Comment: In silico analysis supports that this missense variant does not alter protein structure/function; Has not been previously published as pathogenic or benign to our knowledge

NM_001177316.2(SLC34A3):c.493G>A (p.Val165Ile)

Gene: SLC34A3 (solute carrier family 34 member 3; plus strand). Cytogenetic location: 9q34.3.
Variant type: single nucleotide variant.
Coding change: c.493G>A on transcript NM_001177316.2 (MANE Select); coding-DNA position 493, G replaced by A.
Protein change: p.Val165Ile; replaces valine 165 with isoleucine.
Molecular consequence: missense variant.
Genome position (GRCh38, 1-based): chr9:137,233,048, G>A. VCF-style: chr9-137233048-G-A. GRCh37 (hg19) VCF-style: chr9-140127500-G-A.
Other names: c.493G>A, p.Val165Ile (NM_001177317.2, NM_080877.3); short protein forms V165I.
Identifiers: ClinVar variation 745162 (VCV000745162.13), dbSNP rs146054276, ClinGen allele CA5364433.
Genomic context (GRCh38, chr9:137,233,048, plus strand): 5'-GCCCCCCCACCAGCAGTGCTGACTGTCCGGGTGTCTGTGCCCATCATCATGGGTGTCAAC[G>A]TAGGCACATCCATCACCAGCACCCTGGTCTCAATGGCGCAGTCAGGGGACCGGGATGAAT-3'
Protein context (NP_001170787.2, residues 155-175): VSVPIIMGVN[Val165Ile]GTSITSTLVS